The following is an entry in ClinVar:

ClinVar aggregate classification (germline): Uncertain significance (1 of 4 stars; one submission).

Submission:

Labcorp Genetics (formerly Invitae), Labcorp
Classification: Uncertain significance. Last evaluated: 2025-10-20. Review status: criteria provided, single submitter. Criteria: Invitae Variant Classification Sherloc (09022015). Collection method: clinical testing. Allele origin: germline.
Comment: This sequence change replaces aspartic acid, which is acidic and polar, with valine, which is neutral and non-polar, at codon 1731 of the ABCA4 protein (p.Asp1731Val). This variant is not present in population databases (gnomAD no frequency). This missense change has been observed in individual(s) with clinical features of inherited retinal dystrophy (internal data). ClinVar contains an entry for this variant (Variation ID: 1399948). Invitae Evidence Modeling of protein sequence and biophysical properties (such as structural, functional, and spatial information, amino acid conservation, physicochemical variation, residue mobility, and thermodynamic stability) indicates that this missense variant is expected to disrupt ABCA4 protein function with a positive predictive value of 95%. In summary, the available evidence is currently insufficient to determine the role of this variant in disease. Therefore, it has been classified as a Variant of Uncertain Significance.

NM_000350.3(ABCA4):c.5192A>T (p.Asp1731Val)

Gene: ABCA4 (ATP binding cassette subfamily A member 4; minus strand). Cytogenetic location: 1p22.1.
Variant type: single nucleotide variant.
Coding change: c.5192A>T on transcript NM_000350.3 (MANE Select); coding-DNA position 5192, A replaced by T.
Protein change: p.Asp1731Val; replaces aspartic acid 1731 with valine.
Molecular consequence: missense variant.
Genome position (GRCh38, 1-based): chr1:94,019,586, T>A on the plus strand (A>T on the coding strand, the complement: ABCA4 is on the minus strand). VCF-style: chr1-94019586-T-A. GRCh37 (hg19) VCF-style: chr1-94485142-T-A.
Other names: c.4970A>T, p.Asp1657Val (NM_001425324.1); short protein forms D1731V, D1657V.
Identifiers: ClinVar variation 1399948 (VCV001399948.8), dbSNP rs2101020581, ClinGen allele CA341282512.